The following is an entry in ClinVar:

ClinVar aggregate classification (germline): Likely benign. Review status: criteria provided, multiple submitters, no conflicts (2 of 4 stars). 2 submissions from 2 submitters: Likely benign (2). Last evaluated 2024-11-04.

Conditions:
Combined oxidative phosphorylation defect type 17. Also called: Combined oxidative phosphorylation deficiency 17. Identifiers: Orphanet 369913, MedGen C3809526, MONDO:0014190, OMIM 615440.

Allele frequency attached by ClinVar (database versions not stated): gnomAD exomes 0.00001.
gnomAD v4.1: 4 of 1,607,324 alleles (0.00025%); highest among the groups gnomAD compares: Non-Finnish European, 0.00034%; no homozygotes.

Submissions (2):

Labcorp Genetics (formerly Invitae), Labcorp
Classification: Likely benign for Combined oxidative phosphorylation defect type 17. Last evaluated: 2024-11-04. Review status: criteria provided, single submitter. Criteria: Invitae Variant Classification Sherloc (09022015). Collection method: clinical testing. Allele origin: germline.

GeneDx
Classification: Likely benign. Last evaluated: 2016-03-01. Review status: criteria provided, single submitter. Criteria: GeneDx Variant Classification (06012015). Collection method: clinical testing. Allele origin: germline. Affected: yes.
Comment: This variant is considered likely benign or benign based on one or more of the following criteria: it is a conservative change, it occurs at a poorly conserved position in the protein, it is predicted to be benign by multiple in silico algorithms, and/or has population frequency not consistent with disease.

NM_018127.7(ELAC2):c.1161C>T (p.Thr387=)

Gene: ELAC2 (elaC ribonuclease Z 2; minus strand). Cytogenetic location: 17p12.
Variant type: single nucleotide variant.
Coding change: c.1161C>T on transcript NM_018127.7 (MANE Select); coding-DNA position 1161, C replaced by T.
Protein change: p.Thr387=; no amino-acid change (threonine 387 retained).
Molecular consequence: synonymous variant.
Genome position (GRCh38, 1-based): chr17:13,002,498, G>A on the plus strand (C>T on the coding strand, the complement: ELAC2 is on the minus strand). VCF-style: chr17-13002498-G-A. GRCh37 (hg19) VCF-style: chr17-12905815-G-A.
Other names: c.1041C>T, p.Thr347= (NM_001165962.2); c.1161C>T, p.Thr387= (NM_173717.2).
Identifiers: ClinVar variation 382794 (VCV000382794.8), dbSNP rs1057521455, ClinGen allele CA16608378.
Genomic context (GRCh38, chr17:13,002,498, plus strand): 5'-TACCTTACAGCGGAAACTGGTGAGCAGGGGGAAGATGTCCGGGTGGATGAGGTTGAGCTG[G>A]GTTTGAATCTTGTGGCTGCGAAGGTTGTGAACTGAGGCACAGTTCTCATTCAGGACCAAG-3'
Protein context (NP_060597.4, residues 377-397): VHNLRSHKIQ[Thr387=]QLNLIHPDIF